The following is an entry in ClinVar:

NM_014141.6(CNTNAP2):c.317G>C (p.Ser106Thr)

Gene: CNTNAP2 (contactin associated protein 2; plus strand). Cytogenetic location: 7q35.
Variant type: single nucleotide variant.
Coding change: c.317G>C on transcript NM_014141.6 (MANE Select); coding-DNA position 317, G replaced by C.
Protein change: p.Ser106Thr; replaces serine 106 with threonine.
Molecular consequence: missense variant.
Genome position (GRCh38, 1-based): chr7:146,839,819, G>C. VCF-style: chr7-146839819-G-C. GRCh37 (hg19) VCF-style: chr7-146536911-G-C.
Other names: short protein forms S106T.
Identifiers: ClinVar variation 2096046 (VCV002096046.3), dbSNP rs1435110035, ClinGen allele CA369922697.
Genomic context (GRCh38, chr7:146,839,819, plus strand): 5'-AGGTTGACTTTGGCAATCGGAAGCAGATCAGTGCCATTGCAACCCAAGGAAGGTATAGCA[G>C]CTCAGATTGGGTGACCCAATACCGGATGCTCTACAGCGACACAGGGAGAAACTGGAAACC-3'
Protein context (NP_054860.1, residues 96-116): SAIATQGRYS[Ser106Thr]SDWVTQYRML

ClinVar aggregate classification (germline): Uncertain significance (1 of 4 stars; one submission).

Conditions:
Cortical dysplasia-focal epilepsy syndrome (PTHSL1). Also called: Pitt-Hopkins-like syndrome 1. Identifiers: Orphanet 163681, Orphanet 221150, MedGen C2750246, MONDO:0012400, OMIM 610042.

gnomAD v4.1: 1 of 1,614,134 alleles (0.000062%); highest among the groups gnomAD compares: Admixed American, 0.0017%; no homozygotes.

Submission:

Labcorp Genetics (formerly Invitae), Labcorp
Classification: Uncertain significance for Cortical dysplasia-focal epilepsy syndrome. Last evaluated: 2024-05-20. Review status: criteria provided, single submitter. Criteria: Invitae Variant Classification Sherloc (09022015). Collection method: clinical testing. Allele origin: germline.
Comment: This sequence change replaces serine, which is neutral and polar, with threonine, which is neutral and polar, at codon 106 of the CNTNAP2 protein (p.Ser106Thr). This variant is present in population databases (no rsID available, gnomAD 0.003%). This variant has not been reported in the literature in individuals affected with CNTNAP2-related conditions. ClinVar contains an entry for this variant (Variation ID: 2096046). An algorithm developed to predict the effect of missense changes on protein structure and function (PolyPhen-2) suggests that this variant is likely to be disruptive. In summary, the available evidence is currently insufficient to determine the role of this variant in disease. Therefore, it has been classified as a Variant of Uncertain Significance.